The following is an entry in ClinVar:

NM_144997.7(FLCN):c.46C>T (p.Pro16Ser)

Gene: FLCN (folliculin; minus strand). Cytogenetic location: 17p11.2.
Variant type: single nucleotide variant.
Coding change: c.46C>T on transcript NM_144997.7 (MANE Select); coding-DNA position 46, C replaced by T.
Protein change: p.Pro16Ser; replaces proline 16 with serine.
Molecular consequence: missense variant.
Genome position (GRCh38, 1-based): chr17:17,228,092, G>A on the plus strand (C>T on the coding strand, the complement: FLCN is on the minus strand). VCF-style: chr17-17228092-G-A. GRCh37 (hg19) VCF-style: chr17-17131406-G-A.
Other names: c.46C>T, p.Pro16Ser (NM_001353229.2, NM_001353230.2, NM_001353231.2 and 1 more transcripts); short protein forms P16S.
Identifiers: ClinVar variation 1409545 (VCV001409545.10), dbSNP rs977734712, ClinGen allele CA288320867.

ClinVar aggregate classification (germline): Uncertain significance. Review status: criteria provided, multiple submitters, no conflicts (2 of 4 stars). 2 submissions from 2 submitters: Uncertain significance (2). Last evaluated 2026-02-03.

Conditions:
Hereditary cancer-predisposing syndrome. Also called: Hereditary neoplastic syndrome; Neoplastic Syndromes, Hereditary; Hereditary Cancer Syndrome; Tumor predisposition. Identifiers: Orphanet 140162, MedGen C0027672, MeSH D009386, MONDO:0015356.
Birt-Hogg-Dube syndrome. Also called: Birt Hogg Dubé syndrome. Identifiers: Orphanet 122, MedGen C0346010, MONDO:0800444.

Submissions (2):

Labcorp Genetics (formerly Invitae), Labcorp
Classification: Uncertain significance for Birt-Hogg-Dube syndrome. Last evaluated: 2026-02-03. Review status: criteria provided, single submitter. Criteria: Invitae Variant Classification Sherloc (09022015). Collection method: clinical testing. Allele origin: germline.
Comment: This sequence change replaces proline, which is neutral and non-polar, with serine, which is neutral and polar, at codon 16 of the FLCN protein (p.Pro16Ser). This variant is not present in population databases (gnomAD no frequency). This variant has not been reported in the literature in individuals affected with FLCN-related conditions. ClinVar contains an entry for this variant (Variation ID: 1409545). Invitae Evidence Modeling of protein sequence and biophysical properties (such as structural, functional, and spatial information, amino acid conservation, physicochemical variation, residue mobility, and thermodynamic stability) indicates that this missense variant is expected to disrupt FLCN protein function with a positive predictive value of 80%. In summary, the available evidence is currently insufficient to determine the role of this variant in disease. Therefore, it has been classified as a Variant of Uncertain Significance.

Ambry Genetics
Classification: Uncertain significance for Hereditary cancer-predisposing syndrome. Last evaluated: 2024-03-06. Review status: criteria provided, single submitter. Criteria: Ambry Variant Classification Scheme 2023. Collection method: clinical testing. Allele origin: germline.
Comment: The p.P16S variant (also known as c.46C>T), located in coding exon 1 of the FLCN gene, results from a C to T substitution at nucleotide position 46. The proline at codon 16 is replaced by serine, an amino acid with similar properties. This amino acid position is highly conserved in available vertebrate species. In addition, this alteration is predicted to be deleterious by in silico analysis. Since supporting evidence is limited at this time, the clinical significance of this alteration remains unclear.